The following is an entry in ClinVar:

NM_201596.3(CACNB2):c.622T>G (p.Leu208Val)

Gene: CACNB2 (calcium voltage-gated channel auxiliary subunit beta 2; plus strand). Cytogenetic location: 10p12.31.
Variant type: single nucleotide variant.
Coding change: c.622T>G on transcript NM_201596.3 (MANE Select); coding-DNA position 622, T replaced by G.
Protein change: p.Leu208Val; replaces leucine 208 with valine.
Molecular consequence: missense variant.
Genome position (GRCh38, 1-based): chr10:18,506,499, T>G. VCF-style: chr10-18506499-T-G. GRCh37 (hg19) VCF-style: chr10-18795428-T-G.
Other names: c.457T>G, p.Leu153Val (NM_000724.4, NM_001330060.2); c.538T>G, p.Leu180Val (NM_001167945.2, NM_201571.4, NM_201572.4); c.478T>G, p.Leu160Val (NM_201570.3); c.460T>G, p.Leu154Val (NM_201590.3); c.622T>G, p.Leu208Val (NM_201593.3, NM_201597.3); c.460T>G (NM_201590.2); short protein forms L153V, L154V, L160V, L180V, L208V.
Identifiers: ClinVar variation 1044841 (VCV001044841.8), dbSNP rs538160664, ClinGen allele CA203222142.
Genomic context (GRCh38, chr10:18,506,499, plus strand): 5'-CAGATTTAATAGAAATTTTTGCTTTACTCCAGTAAATCAGGAGGAAATTCATCATCCAGT[T>G]TGGGTGACATAGTACCTAGTTCCAGAAAATCAACACCTCCATCATCTGGTAAGTAGGTGA-3'
Protein context (NP_963890.2, residues 198-218): SKSGGNSSSS[Leu208Val]GDIVPSSRKS

ClinVar aggregate classification (germline): Uncertain significance. Review status: criteria provided, multiple submitters, no conflicts (2 of 4 stars). 3 submissions from 3 submitters: Uncertain significance (3). Last evaluated 2026-05-14.

Conditions:
CACNB2-related disorder. Also called: CACNB2-related condition.
Cardiovascular phenotype. Identifiers: MedGen CN230736.
Brugada syndrome 4 (BRGDA4). Identifiers: Orphanet 130, MedGen C2678477, MONDO:0012743, OMIM 611876.

Submissions (3):

PreventionGenetics, part of Exact Sciences
Classification: Uncertain significance for CACNB2-related condition. Last evaluated: 2026-05-14. Review status: criteria provided, single submitter. Criteria: ACMG Guidelines, 2015. Collection method: clinical testing. Allele origin: germline.
Comment: The CACNB2 c.460T>G variant is predicted to result in the amino acid substitution p.Leu154Val. To our knowledge, this variant has not been reported in the literature or in a large population database (gnomAD), indicating this variant is rare. At this time, the clinical significance of this variant is uncertain due to the absence of conclusive functional and genetic evidence.

Labcorp Genetics (formerly Invitae), Labcorp
Classification: Uncertain significance for Brugada syndrome 4. Last evaluated: 2025-06-29. Review status: criteria provided, single submitter. Criteria: Invitae Variant Classification Sherloc (09022015). Collection method: clinical testing. Allele origin: germline.
Comment: This sequence change replaces leucine, which is neutral and non-polar, with valine, which is neutral and non-polar, at codon 154 of the CACNB2 protein (p.Leu154Val). This variant is not present in population databases (gnomAD no frequency). This variant has not been reported in the literature in individuals affected with CACNB2-related conditions. ClinVar contains an entry for this variant (Variation ID: 1044841). Invitae Evidence Modeling of protein sequence and biophysical properties (such as structural, functional, and spatial information, amino acid conservation, physicochemical variation, residue mobility, and thermodynamic stability) indicates that this missense variant is not expected to disrupt CACNB2 protein function with a negative predictive value of 80%. In summary, the available evidence is currently insufficient to determine the role of this variant in disease. Therefore, it has been classified as a Variant of Uncertain Significance.

Ambry Genetics
Classification: Uncertain significance for Cardiovascular phenotype. Last evaluated: 2024-08-15. Review status: criteria provided, single submitter. Criteria: Ambry Variant Classification Scheme 2023. Collection method: clinical testing. Allele origin: germline.
Comment: The p.L154V variant (also known as c.460T>G), located in coding exon 5 of the CACNB2 gene, results from a T to G substitution at nucleotide position 460. The leucine at codon 154 is replaced by valine, an amino acid with highly similar properties. This amino acid position is conserved. In addition, the in silico prediction for this alteration is inconclusive. Based on the available evidence, the clinical significance of this variant remains unclear.